The following is an entry in ClinVar:

ClinVar aggregate classification (germline): Uncertain significance (1 of 4 stars; one submission).

gnomAD v4.1: 1 of 1,614,114 alleles (0.000062%); highest among the groups gnomAD compares: Non-Finnish European, 0.000085%; no homozygotes.

Submission:

Labcorp Genetics (formerly Invitae), Labcorp
Classification: Uncertain significance. Last evaluated: 2022-03-14. Review status: criteria provided, single submitter. Criteria: Invitae Variant Classification Sherloc (09022015). Collection method: clinical testing. Allele origin: germline.
Comment: Algorithms developed to predict the effect of missense changes on protein structure and function are either unavailable or do not agree on the potential impact of this missense change (SIFT: "Deleterious"; PolyPhen-2: "Possibly Damaging"; Align-GVGD: "Class C15"). In summary, the available evidence is currently insufficient to determine the role of this variant in disease. Therefore, it has been classified as a Variant of Uncertain Significance. This variant has not been reported in the literature in individuals affected with CAD-related conditions. This variant is not present in population databases (gnomAD no frequency). This sequence change replaces tyrosine, which is neutral and polar, with phenylalanine, which is neutral and non-polar, at codon 451 of the CAD protein (p.Tyr451Phe).

NM_004341.5(CAD):c.1352A>T (p.Tyr451Phe)

Gene: CAD (carbamoyl-phosphate synthetase 2, aspartate transcarbamylase, and dihydroorotase; plus strand). Cytogenetic location: 2p23.3.
Variant type: single nucleotide variant.
Coding change: c.1352A>T on transcript NM_004341.5 (MANE Select); coding-DNA position 1352, A replaced by T.
Protein change: p.Tyr451Phe; replaces tyrosine 451 with phenylalanine.
Molecular consequence: missense variant.
Genome position (GRCh38, 1-based): chr2:27,224,842, A>T. VCF-style: chr2-27224842-A-T. GRCh37 (hg19) VCF-style: chr2-27447710-A-T.
Other names: c.1352A>T, p.Tyr451Phe (NM_001306079.2); short protein forms Y451F.
Identifiers: ClinVar variation 2109242 (VCV002109242.4), dbSNP rs770953907, ClinGen allele CA346204499.